The following is an entry in ClinVar:

ClinVar aggregate classification (germline): Uncertain significance (1 of 4 stars; one submission).

Submission:

Labcorp Genetics (formerly Invitae), Labcorp
Classification: Uncertain significance. Last evaluated: 2024-02-20. Review status: criteria provided, single submitter. Criteria: Invitae Variant Classification Sherloc (09022015). Collection method: clinical testing. Allele origin: germline.
Comment: This sequence change replaces aspartic acid, which is acidic and polar, with glutamic acid, which is acidic and polar, at codon 571 of the SAMD11 protein (p.Asp571Glu). This variant is not present in population databases (gnomAD no frequency). This variant has not been reported in the literature in individuals affected with SAMD11-related conditions. ClinVar contains an entry for this variant (Variation ID: 1422148). An algorithm developed to predict the effect of missense changes on protein structure and function (PolyPhen-2) suggests that this variant is likely to be disruptive. In summary, the available evidence is currently insufficient to determine the role of this variant in disease. Therefore, it has been classified as a Variant of Uncertain Significance.

NM_001385641.1(SAMD11):c.2202C>A (p.Asp734Glu)

Gene: SAMD11 (sterile alpha motif domain containing 11; plus strand). Cytogenetic location: 1p36.33.
Variant type: single nucleotide variant.
Coding change: c.2202C>A on transcript NM_001385641.1 (MANE Select); coding-DNA position 2202, C replaced by A.
Protein change: p.Asp734Glu; replaces aspartic acid 734 with glutamic acid.
Molecular consequence: missense variant.
Genome position (GRCh38, 1-based): chr1:943,721, C>A. VCF-style: chr1-943721-C-A. GRCh37 (hg19) VCF-style: chr1-879101-C-A.
Other names: c.2205C>A, p.Asp735Glu (NM_001385640.1); c.1713C>A, p.Asp571Glu (NM_152486.4); short protein forms D734E, D735E, D571E.
Identifiers: ClinVar variation 1422148 (VCV001422148.6), dbSNP rs1397922170, ClinGen allele CA337816645.